The following is an entry in ClinVar:

NM_000388.4(CASR):c.1772C>T (p.Ser591Phe)

Gene: CASR (calcium sensing receptor; plus strand). Cytogenetic location: 3q21.1.
Variant type: single nucleotide variant.
Coding change: c.1772C>T on transcript NM_000388.4 (MANE Select); coding-DNA position 1772, C replaced by T.
Protein change: p.Ser591Phe; replaces serine 591 with phenylalanine.
Molecular consequence: missense variant.
Genome position (GRCh38, 1-based): chr3:122,283,726, C>T. VCF-style: chr3-122283726-C-T. GRCh37 (hg19) VCF-style: chr3-122002573-C-T.
Other names: c.1802C>T, p.Ser601Phe (NM_001178065.2); short protein forms S601F, S591F.
Identifiers: ClinVar variation 2922413 (VCV002922413.3), dbSNP rs2473276172, ClinGen allele CA354157274.

ClinVar aggregate classification (germline): Uncertain significance (1 of 4 stars; one submission).

Conditions:
Autosomal dominant hypocalcemia 1 (HYPOC1). Also called: HYPOCALCEMIA, FAMILIAL. Identifiers: MedGen C3715128, MONDO:0011013, OMIM 601198.
Familial hypocalciuric hypercalcemia (FHH). Also called: Familial benign hypercalcemia. Identifiers: Orphanet 405, MedGen C1809471, MONDO:0018458.

Submission:

Labcorp Genetics (formerly Invitae), Labcorp
Classification: Uncertain significance for Familial hypocalciuric hypercalcemia; Autosomal dominant hypocalcemia 1. Last evaluated: 2024-01-24. Review status: criteria provided, single submitter. Criteria: Invitae Variant Classification Sherloc (09022015). Collection method: clinical testing. Allele origin: germline.
Comment: This sequence change replaces serine, which is neutral and polar, with phenylalanine, which is neutral and non-polar, at codon 591 of the CASR protein (p.Ser591Phe). This variant is not present in population databases (gnomAD no frequency). This variant has not been reported in the literature in individuals affected with CASR-related conditions. An algorithm developed to predict the effect of missense changes on protein structure and function (PolyPhen-2) suggests that this variant is likely to be disruptive. In summary, the available evidence is currently insufficient to determine the role of this variant in disease. Therefore, it has been classified as a Variant of Uncertain Significance.